The following is an entry in ClinVar:

ClinVar aggregate classification (germline): Uncertain significance. Review status: criteria provided, multiple submitters, no conflicts (2 of 4 stars). 3 submissions from 3 submitters: Uncertain significance (3). Last evaluated 2024-10-22.

Conditions:
Inborn genetic diseases. Identifiers: MedGen C0950123, MeSH D030342.
Myasthenic syndrome, congenital, 22 (CMS22). Also called: PREPL DEFICIENCY. Identifiers: MedGen C4479088, MONDO:0044299, OMIM 616224.

Allele frequency attached by ClinVar (database versions not stated): gnomAD 0.00001; TOPMed 0.00004; gnomAD exomes 0.00005 and 0.00007; ExAC 0.00006; 1000 Genomes Project 30x 0.00016; 1000 Genomes Project 0.00020.
gnomAD v4.1: 81 of 1,613,868 alleles (0.005%); highest among the groups gnomAD compares: Middle Eastern, 0.017%; 1 homozygote.

Submissions (3):

Labcorp Genetics (formerly Invitae), Labcorp
Classification: Uncertain significance for Myasthenic syndrome, congenital, 22. Last evaluated: 2024-10-22. Review status: criteria provided, single submitter. Criteria: Invitae Variant Classification Sherloc (09022015). Collection method: clinical testing. Allele origin: germline.
Comment: This sequence change replaces threonine, which is neutral and polar, with alanine, which is neutral and non-polar, at codon 259 of the PREPL protein (p.Thr259Ala). This variant is present in population databases (rs560481380, gnomAD 0.01%). This variant has not been reported in the literature in individuals affected with PREPL-related conditions. ClinVar contains an entry for this variant (Variation ID: 641182). Invitae Evidence Modeling of protein sequence and biophysical properties (such as structural, functional, and spatial information, amino acid conservation, physicochemical variation, residue mobility, and thermodynamic stability) indicates that this missense variant is not expected to disrupt PREPL protein function with a negative predictive value of 80%. In summary, the available evidence is currently insufficient to determine the role of this variant in disease. Therefore, it has been classified as a Variant of Uncertain Significance.

Ambry Genetics
Classification: Uncertain significance for Inborn genetic diseases. Last evaluated: 2023-08-15. Review status: criteria provided, single submitter. Criteria: Ambry Variant Classification Scheme 2023. Collection method: clinical testing. Allele origin: germline.

Breakthrough Genomics
Classification: Uncertain significance. Review status: criteria provided, single submitter. Criteria: ACMG Guidelines, 2015. Collection method: not provided. Allele origin: germline. Inheritance: Autosomal recessive inheritance. Affected: yes.

NM_001171613.2(PREPL):c.508A>G (p.Thr170Ala)

Gene: PREPL (prolyl endopeptidase like; minus strand). Cytogenetic location: 2p21.
Variant type: single nucleotide variant.
Coding change: c.508A>G on transcript NM_001171613.2 (MANE Select); coding-DNA position 508, A replaced by G.
Protein change: p.Thr170Ala; replaces threonine 170 with alanine.
Molecular consequence: missense variant.
Genome position (GRCh38, 1-based): chr2:44,339,341, T>C on the plus strand (A>G on the coding strand, the complement: PREPL is on the minus strand). VCF-style: chr2-44339341-T-C. GRCh37 (hg19) VCF-style: chr2-44566480-T-C.
Other names: c.775A>G, p.Thr259Ala (NM_006036.4, NM_001042385.2, NM_001042386.2 and 4 more transcripts); c.508A>G, p.Thr170Ala (NM_001171617.1, NM_001374277.1); short protein forms T259A, T170A.
Identifiers: ClinVar variation 641182 (VCV000641182.10), dbSNP rs560481380, ClinGen allele CA1641434.